The following is an entry in ClinVar:

NM_004174.4(SLC9A3):c.1967C>T (p.Thr656Ile)

Genes: SLC9A3 (solute carrier family 9 member A3), SLC9A3-AS1 (SLC9A3 antisense RNA 1; plus strand). Cytogenetic location: 5p15.33.
Variant type: single nucleotide variant.
Coding change: c.1967C>T on transcript NM_004174.4 (MANE Select); coding-DNA position 1967, C replaced by T.
Protein change: p.Thr656Ile; replaces threonine 656 with isoleucine.
Molecular consequence: missense variant. On other transcripts: non-coding transcript variant (1).
Genome position (GRCh38, 1-based): chr5:476,302, G>A on the plus strand (C>T on the coding strand, the complement: SLC9A3 is on the minus strand). VCF-style: chr5-476302-G-A. GRCh37 (hg19) VCF-style: chr5-476417-G-A.
Other names: c.1940C>T, p.Thr647Ile (NM_001284351.3); short protein forms T656I, T647I.
Identifiers: ClinVar variation 1476798 (VCV001476798.8), dbSNP rs752930361, ClinGen allele CA3175626.
Genomic context (GRCh38, chr5:476,302, plus strand): 5'-TTCTTGTTCTGGTTGAGCCCCAGCTTGGTCGACTTGAAGGACTCCAGGCGCTTCCGCATG[G>A]TCCTGTGGAAGATTTCCCGGTCCTGTTTCTCGTCCTCCGTGGGCGTGAGCTCGTGTCGGC-3'
Protein context (NP_004165.2, residues 646-666): EKQDREIFHR[Thr656Ile]MRKRLESFKS

ClinVar aggregate classification (germline): Uncertain significance (1 of 4 stars; one submission).

Allele frequency attached by ClinVar (database versions not stated): gnomAD exomes 0.00001 and 0.00002; ExAC 0.00002.
gnomAD v4.1: 10 of 1,613,938 alleles (0.00062%); highest among the groups gnomAD compares: East Asian, 0.0067%; no homozygotes.

Submission:

Labcorp Genetics (formerly Invitae), Labcorp
Classification: Uncertain significance. Last evaluated: 2022-02-10. Review status: criteria provided, single submitter. Criteria: Invitae Variant Classification Sherloc (09022015). Collection method: clinical testing. Allele origin: germline.
Comment: This sequence change replaces threonine, which is neutral and polar, with isoleucine, which is neutral and non-polar, at codon 656 of the SLC9A3 protein (p.Thr656Ile). This variant is present in population databases (rs752930361, gnomAD 0.02%). This variant has not been reported in the literature in individuals affected with SLC9A3-related conditions. Algorithms developed to predict the effect of missense changes on protein structure and function are either unavailable or do not agree on the potential impact of this missense change (SIFT: "Not Available"; PolyPhen-2: "Probably Damaging"; Align-GVGD: "Not Available"). In summary, the available evidence is currently insufficient to determine the role of this variant in disease. Therefore, it has been classified as a Variant of Uncertain Significance.